The following is an entry in ClinVar:

ClinVar aggregate classification (germline): Likely pathogenic (1 of 4 stars; one submission).

Conditions:
Charcot-Marie-Tooth disease type 4. Also called: Charcot-Marie-Tooth disease, type IV; Charcot-Marie-Tooth, Type 4. Identifiers: Orphanet 64749, MedGen C4082197, MONDO:0018995.

Submission:

Labcorp Genetics (formerly Invitae), Labcorp
Classification: Likely pathogenic for Charcot-Marie-Tooth disease type 4. Last evaluated: 2020-08-14. Review status: criteria provided, single submitter. Criteria: Invitae Variant Classification Sherloc (09022015). Collection method: clinical testing. Allele origin: germline.
Comment: This variant is not present in population databases (ExAC no frequency). This sequence change affects an acceptor splice site in intron 1 of the SBF2 gene. It is expected to disrupt RNA splicing and likely results in an absent or disrupted protein product. This variant has not been reported in the literature in individuals with SBF2-related conditions. Algorithms developed to predict the effect of sequence changes on RNA splicing suggest that this variant may disrupt the consensus splice site, but this prediction has not been confirmed by published transcriptional studies. Donor and acceptor splice site variants typically lead to a loss of protein function (PMID: 16199547), and loss-of-function variants in SBF2 are known to be pathogenic (PMID: 12687498, 25873783). In summary, the currently available evidence indicates that the variant is pathogenic, but additional data are needed to prove that conclusively. Therefore, this variant has been classified as Likely Pathogenic.

Literature cited by the submitters: PubMed 16199547; PubMed 12687498; PubMed 25873783.

NM_030962.4(SBF2):c.56-1G>A

Gene: SBF2 (SET binding factor 2; minus strand). Cytogenetic location: 11p15.4.
Variant type: single nucleotide variant.
Coding change: c.56-1G>A on transcript NM_030962.4 (MANE Select); the canonical splice acceptor site of the intron before coding-DNA position 56, G replaced by A.
Molecular consequence: splice acceptor variant.
Genome position (GRCh38, 1-based): chr11:10,193,988, C>T on the plus strand (G>A on the coding strand, the complement: SBF2 is on the minus strand). VCF-style: chr11-10193988-C-T. GRCh37 (hg19) VCF-style: chr11-10215535-C-T.
Other names: c.56-1G>A (NM_001386342.1, NM_001386339.1).
Identifiers: ClinVar variation 1068279 (VCV001068279.7), dbSNP rs2135330973, ClinGen allele CA379850674.